The following is an entry in ClinVar:

NM_020778.5(ALPK3):c.1204G>T (p.Ala402Ser)

Gene: ALPK3 (alpha kinase 3; plus strand). Cytogenetic location: 15q25.3.
Variant type: single nucleotide variant.
Coding change: c.1204G>T on transcript NM_020778.5 (MANE Select); coding-DNA position 1204, G replaced by T.
Protein change: p.Ala402Ser; replaces alanine 402 with serine.
Molecular consequence: missense variant.
Genome position (GRCh38, 1-based): chr15:84,840,483, G>T. VCF-style: chr15-84840483-G-T. GRCh37 (hg19) VCF-style: chr15-85383714-G-T.
Other names: short protein forms A402S.
Identifiers: ClinVar variation 2041572 (VCV002041572.4), dbSNP rs2505706219, ClinGen allele CA393374792.

ClinVar aggregate classification (germline): Uncertain significance (1 of 4 stars; one submission).

Submission:

Labcorp Genetics (formerly Invitae), Labcorp
Classification: Uncertain significance. Last evaluated: 2023-02-22. Review status: criteria provided, single submitter. Criteria: Invitae Variant Classification Sherloc (09022015). Collection method: clinical testing. Allele origin: germline.
Comment: An algorithm developed to predict the effect of missense changes on protein structure and function (PolyPhen-2) suggests that this variant is likely to be tolerated. This variant has not been reported in the literature in individuals affected with ALPK3-related conditions. This variant is not present in population databases (gnomAD no frequency). This sequence change replaces alanine, which is neutral and non-polar, with serine, which is neutral and polar, at codon 604 of the ALPK3 protein (p.Ala604Ser). In summary, the available evidence is currently insufficient to determine the role of this variant in disease. Therefore, it has been classified as a Variant of Uncertain Significance.